The following is an entry in ClinVar:

ClinVar aggregate classification (germline): Uncertain significance (1 of 4 stars; one submission).

gnomAD v4.1: 2 of 1,614,032 alleles (0.00012%); highest among the groups gnomAD compares: Admixed American, 0.0033%; no homozygotes.

Submission:

Labcorp Genetics (formerly Invitae), Labcorp
Classification: Uncertain significance. Last evaluated: 2020-09-21. Review status: criteria provided, single submitter. Criteria: Invitae Variant Classification Sherloc (09022015). Collection method: clinical testing. Allele origin: germline.
Comment: This sequence change replaces cysteine with tryptophan at codon 304 of the HSPG2 protein (p.Cys304Trp). The cysteine residue is highly conserved and there is a large physicochemical difference between cysteine and tryptophan. This variant is present in population databases (rs144227288, ExAC 0.009%). This variant has not been reported in the literature in individuals with HSPG2-related conditions. Algorithms developed to predict the effect of missense changes on protein structure and function are either unavailable or do not agree on the potential impact of this missense change (SIFT: "Deleterious"; PolyPhen-2: "Probably Damaging"; Align-GVGD: "Class C0"). In summary, the available evidence is currently insufficient to determine the role of this variant in disease. Therefore, it has been classified as a Variant of Uncertain Significance.

NM_005529.7(HSPG2):c.912C>G (p.Cys304Trp)

Gene: HSPG2 (heparan sulfate proteoglycan 2; minus strand). Cytogenetic location: 1p36.12.
Variant type: single nucleotide variant.
Coding change: c.912C>G on transcript NM_005529.7 (MANE Select); coding-DNA position 912, C replaced by G.
Protein change: p.Cys304Trp; replaces cysteine 304 with tryptophan.
Molecular consequence: missense variant.
Genome position (GRCh38, 1-based): chr1:21,887,466, G>C on the plus strand (C>G on the coding strand, the complement: HSPG2 is on the minus strand). VCF-style: chr1-21887466-G-C. GRCh37 (hg19) VCF-style: chr1-22213959-G-C.
Other names: c.912C>G, p.Cys304Trp (NM_001291860.2); short protein forms C304W.
Identifiers: ClinVar variation 1056238 (VCV001056238.7), dbSNP rs144227288, ClinGen allele CA673668.
Genomic context (GRCh38, chr1:21,887,466, plus strand): 5'-CTGCCGGTGCGCACCACAGTCTAGCTCATCGCTGCCGTCCTCGCAGTCCTCCTGTCCGTC[G>C]CAGAGGTAGTCTCTGGGGATGCAGTGCCCATTGCGGCATGCGGCCTCCTGGGGCCCACAG-3'
Protein context (NP_005520.4, residues 294-314): NGHCIPRDYL[Cys304Trp]DGQEDCEDGS